The following is an entry in ClinVar:

NM_177438.3(DICER1):c.390T>G (p.Asn130Lys)

Gene: DICER1 (dicer 1, ribonuclease III; minus strand). Cytogenetic location: 14q32.13.
Variant type: single nucleotide variant.
Coding change: c.390T>G on transcript NM_177438.3 (MANE Select); coding-DNA position 390, T replaced by G.
Protein change: p.Asn130Lys; replaces asparagine 130 with lysine.
Molecular consequence: missense variant. On other transcripts: 5 prime UTR variant (2), non-coding transcript variant (5), intron variant (6).
Genome position (GRCh38, 1-based): chr14:95,131,557, A>C on the plus strand (T>G on the coding strand, the complement: DICER1 is on the minus strand). VCF-style: chr14-95131557-A-C. GRCh37 (hg19) VCF-style: chr14-95597894-A-C.
Other names: c.390T>G, p.Asn130Lys (NM_001195573.1, NM_001271282.3, NM_001291628.2 and 15 more transcripts); c.108T>G, p.Asn36Lys (NM_001395686.1); c.-69T>G (NM_001395691.1); c.-1179T>G (NM_001395697.1); c.33+958T>G (NM_001395690.1, NM_001395687.1, NM_001395689.1 and 3 more transcripts); short protein forms N130K, N36K.
Identifiers: ClinVar variation 3229396 (VCV003229396.2), dbSNP rs747882352, ClinGen allele CA390889002.

ClinVar aggregate classification (germline): Uncertain significance. Review status: criteria provided, multiple submitters, no conflicts (2 of 4 stars). 2 submissions from 2 submitters: Uncertain significance (2). Last evaluated 2025-02-04.

Conditions:
Hereditary cancer-predisposing syndrome. Also called: Hereditary Cancer Syndrome; Tumor predisposition; Neoplastic Syndromes, Hereditary; Hereditary neoplastic syndrome. Identifiers: Orphanet 140162, MedGen C0027672, MeSH D009386, MONDO:0015356.
DICER1-related tumor predisposition. Also called: DICER1-related pleuropulmonary blastoma cancer predisposition syndrome; DICER1 syndrome. Identifiers: Orphanet 284343, MedGen C3839822, MONDO:0100216.

Submissions (2):

Labcorp Genetics (formerly Invitae), Labcorp
Classification: Uncertain significance for DICER1-related tumor predisposition. Last evaluated: 2025-02-04. Review status: criteria provided, single submitter. Criteria: Invitae Variant Classification Sherloc (09022015). Collection method: clinical testing. Allele origin: germline.
Comment: This sequence change replaces asparagine, which is neutral and polar, with lysine, which is basic and polar, at codon 130 of the DICER1 protein (p.Asn130Lys). This variant is not present in population databases (gnomAD no frequency). This variant has not been reported in the literature in individuals affected with DICER1-related conditions. ClinVar contains an entry for this variant (Variation ID: 3229396). Invitae Evidence Modeling of protein sequence and biophysical properties (such as structural, functional, and spatial information, amino acid conservation, physicochemical variation, residue mobility, and thermodynamic stability) indicates that this missense variant is not expected to disrupt DICER1 protein function with a negative predictive value of 95%. In summary, the available evidence is currently insufficient to determine the role of this variant in disease. Therefore, it has been classified as a Variant of Uncertain Significance.

Ambry Genetics
Classification: Uncertain significance for Hereditary cancer-predisposing syndrome. Last evaluated: 2023-10-23. Review status: criteria provided, single submitter. Criteria: Ambry Variant Classification Scheme 2023. Collection method: clinical testing. Allele origin: germline.
Comment: The p.N130K variant (also known as c.390T>G), located in coding exon 3 of the DICER1 gene, results from a T to G substitution at nucleotide position 390. The asparagine at codon 130 is replaced by lysine, an amino acid with similar properties. This amino acid position is conserved. In addition, this alteration is predicted to be tolerated by in silico analysis. Since supporting evidence is limited at this time, the clinical significance of this alteration remains unclear.